The following is an entry in ClinVar:

ClinVar aggregate classification (germline): Uncertain significance (1 of 4 stars; one submission).

Conditions:
Spinocerebellar ataxia type 21 (SCA21). Identifiers: Orphanet 98773, MedGen C1843891, MONDO:0011833, OMIM 607454.

Submission:

Victorian Clinical Genetics Services, Murdoch Childrens Research Institute
Classification: Uncertain significance for Spinocerebellar ataxia type 21. Last evaluated: 2025-10-13. Review status: criteria provided, single submitter. Criteria: ACMG Guidelines, 2015. Collection method: clinical testing. Allele origin: germline. Affected: yes.
Comment: This variant is classified as VUS-3A. Evidence in support of pathogenic classification: Variant is predicted to result in an elongated protein; Variant is absent from gnomAD (v2, v3 and v4); Another elongation variant comparable to the one identified in this case has limited previous evidence for pathogenicity. A very similar elongation variant p.(Tyr163Profs*69) has been reported in two individuals from one family with TMEM240-related features (PMID: 39048885). Additional information: This variant is heterozygous; This gene is associated with autosomal dominant disease; This variant has no previous evidence of pathogenicity; No published evidence of segregation with disease has been identified for this variant; No published functional evidence has been identified for this variant; Variant affects the annotated TMEM240 family domain (DECIPHER); The mechanism of disease for this gene is not clearly established. However, gain of function is likely (PMID: 25070513); Variants in this gene are known to have variable expressivity. Intra and interfamilial variability has been reported for this gene with age of onset ranging from infancy to adulthood (PMID: 25070513, 33851480).

Literature cited by the submitters: PubMed 39048885; PubMed 33851480; PubMed 25070513.

NM_001114748.2(TMEM240):c.487dup (p.Tyr163fs)

Gene: TMEM240 (transmembrane protein 240; minus strand). Cytogenetic location: 1p36.33.
Variant type: Duplication.
Coding change: c.487dup on transcript NM_001114748.2 (MANE Select); coding-DNA position 487, one base duplicated (T; older notation c.487dupT).
Protein change: p.Tyr163fs; shifts the reading frame from tyrosine 163.
Molecular consequence: frameshift variant.
Genome position (GRCh38, 1-based): chr1:1,535,394, A duplicated on the plus strand (T on the coding strand, the reverse complement: TMEM240 is on the minus strand). VCF-style (leftmost placement, unchanged base first): chr1-1535393-T-TA. GRCh37 (hg19) VCF-style: chr1-1470773-T-TA.
Other names: short protein forms Y163fs.
Identifiers: ClinVar variation 4531975 (VCV004531975.1).